The following is an entry in ClinVar:

ClinVar aggregate classification (germline): Likely pathogenic (1 of 4 stars; one submission).

gnomAD v4.1: 4 of 1,557,724 alleles (0.00026%); highest among the groups gnomAD compares: African/African-American, 0.0054%; no homozygotes.

Submission:

Labcorp Genetics (formerly Invitae), Labcorp
Classification: Likely pathogenic. Last evaluated: 2025-02-04. Review status: criteria provided, single submitter. Criteria: Invitae Variant Classification Sherloc (09022015). Collection method: clinical testing. Allele origin: germline.
Comment: This sequence change affects a donor splice site in intron 19 of the SNAPC4 gene. It is expected to disrupt RNA splicing. Variants that disrupt the donor or acceptor splice site typically lead to a loss of protein function (PMID: 16199547), and loss-of-function variants in SNAPC4 are known to be pathogenic (PMID: 36965478). This variant is present in population databases (rs377494602, gnomAD 0.02%). This variant has not been reported in the literature in individuals affected with SNAPC4-related conditions. Algorithms developed to predict the effect of sequence changes on RNA splicing suggest that this variant may disrupt the consensus splice site. In summary, the currently available evidence indicates that the variant is pathogenic, but additional data are needed to prove that conclusively. Therefore, this variant has been classified as Likely Pathogenic.

Literature cited by the submitters: PubMed 16199547; PubMed 36965478.

NM_003086.4(SNAPC4):c.2499+1G>T

Gene: SNAPC4 (small nuclear RNA activating complex polypeptide 4; minus strand). Cytogenetic location: 9q34.3.
Variant type: single nucleotide variant.
Coding change: c.2499+1G>T on transcript NM_003086.4 (MANE Select); the canonical splice donor site of the intron after coding-DNA position 2499, G replaced by T.
Molecular consequence: splice donor variant.
Genome position (GRCh38, 1-based): chr9:136,380,739, C>A on the plus strand (G>T on the coding strand, the complement: SNAPC4 is on the minus strand). VCF-style: chr9-136380739-C-A. GRCh37 (hg19) VCF-style: chr9-139275191-C-A.
Other names: c.2415+1G>T (NM_001394203.1, NM_001394202.1); c.2499+1G>T (NM_001394201.1).
Identifiers: ClinVar variation 4712290 (VCV004712290.1).